The following is an entry in ClinVar:

NM_000465.4(BARD1):c.1329del (p.Val444fs)

Gene: BARD1 (BRCA1 associated RING domain 1; minus strand). Cytogenetic location: 2q35.
Variant type: Deletion.
Coding change: c.1329del on transcript NM_000465.4 (MANE Select); coding-DNA position 1329, one base deleted (T; older notation c.1329delT).
Protein change: p.Val444fs; shifts the reading frame from valine 444.
Molecular consequence: frameshift variant. On other transcripts: non-coding transcript variant (3), intron variant (3).
Genome position (GRCh38, 1-based): chr2:214,769,298, A deleted on the plus strand (T on the coding strand, the reverse complement: BARD1 is on the minus strand). VCF-style (leftmost placement, unchanged base first): chr2-214769297-CA-C. GRCh37 (hg19) VCF-style: chr2-215634021-CA-C.
Other names: c.1272del, p.Val425fs (NM_001282543.2); c.159-16743del (NM_001282548.2); c.216-16743del (NM_001282545.2); c.364+22999del (NM_001282549.2); short protein forms V425fs, V444fs.
Identifiers: ClinVar variation 481408 (VCV000481408.19), dbSNP rs767587416, ClinGen allele CA2090284.

ClinVar aggregate classification (germline): Pathogenic/Likely pathogenic. Review status: criteria provided, multiple submitters, no conflicts (2 of 4 stars). 5 submissions from 5 submitters: Pathogenic (4); Likely pathogenic (1). Last evaluated 2024-05-02.

Conditions:
Hereditary cancer-predisposing syndrome. Also called: Hereditary Cancer Syndrome; Neoplastic Syndromes, Hereditary; Tumor predisposition; Hereditary neoplastic syndrome. Identifiers: Orphanet 140162, MedGen C0027672, MeSH D009386, MONDO:0015356.
Familial cancer of breast. Also called: BREAST CANCER, FAMILIAL; Hereditary breast cancer; hereditary breast carcinoma. Identifiers: Orphanet 227535, MedGen C0346153, MONDO:0016419, OMIM 114480. Disease mechanism: loss of function.

Allele frequency attached by ClinVar (database versions not stated): gnomAD exomes below 0.00001; ExAC 0.00001.

Submissions (5):

KCCC/NGS Laboratory, Kuwait Cancer Control Center
Classification: Pathogenic for Familial cancer of breast. Last evaluated: 2024-05-02. Review status: criteria provided, single submitter. Criteria: ACMG Guidelines, 2015. Collection method: clinical testing. Allele origin: germline. Inheritance: Autosomal dominant inheritance. Affected: yes. Observed: 1 heterozygote.
Comment: This sequence change creates a premature translational stop signal (p.Val444Leufs*31) in the BARD1 gene. It is expected to result in an absent or disrupted protein product. Loss-of-function variants in BARD1 are known to be pathogenic (PMID: 20077502, 21344236).This variant is present in population databases (rs767587416, gnomAD 0.003%).This variant has not been reported in the literature in individuals affected with BARD1-related conditions. ClinVar contains an entry for this variant (Variation ID: 481408). reported by four submitter as pathogenic. For these reasons, this variant has been classified as Pathogenic.

Labcorp Genetics (formerly Invitae), Labcorp
Classification: Pathogenic for Familial cancer of breast. Last evaluated: 2024-02-24. Review status: criteria provided, single submitter. Criteria: Invitae Variant Classification Sherloc (09022015). Collection method: clinical testing. Allele origin: germline.
Comment: This sequence change creates a premature translational stop signal (p.Val444Leufs*31) in the BARD1 gene. It is expected to result in an absent or disrupted protein product. Loss-of-function variants in BARD1 are known to be pathogenic (PMID: 20077502, 21344236). This variant is present in population databases (rs767587416, gnomAD 0.003%). This variant has not been reported in the literature in individuals affected with BARD1-related conditions. ClinVar contains an entry for this variant (Variation ID: 481408). For these reasons, this variant has been classified as Pathogenic.

Myriad Genetics, Inc.
Classification: Pathogenic for Familial cancer of breast. Last evaluated: 2023-05-23. Review status: criteria provided, single submitter. Criteria: Myriad Autosomal Dominant, Autosomal Recessive and X-Linked Classification Criteria (2023). Collection method: clinical testing. Allele origin: unknown.
Comment: This variant is considered pathogenic. This variant creates a frameshift predicted to result in premature protein truncation.

Ambry Genetics
Classification: Pathogenic for Hereditary cancer-predisposing syndrome. Last evaluated: 2023-03-31. Review status: criteria provided, single submitter. Criteria: Ambry Variant Classification Scheme 2023. Collection method: clinical testing. Allele origin: germline.
Comment: The c.1329delT pathogenic mutation, located in coding exon 5 of the BARD1 gene, results from a deletion of one nucleotide at nucleotide position 1329, causing a translational frameshift with a predicted alternate stop codon (p.V444Lfs*31). This alteration is expected to result in loss of function by premature protein truncation or nonsense-mediated mRNA decay. As such, this alteration is interpreted as a disease-causing mutation.

Neuberg Centre For Genomic Medicine, NCGM
Classification: Likely pathogenic for Familial cancer of breast. Review status: criteria provided, single submitter. Criteria: ACMG Guidelines, 2015. Collection method: clinical testing. Allele origin: germline. Inheritance: Autosomal dominant inheritance. Affected: yes.
Comment: The observed frameshift c.1329del(p.Val444LeufsTer31) variant in BARD1 gene has submitted to the ClinVar database as Pathogenic. The p.Val444LeufsTer31 variant has been reported with allele frequency of 0.0004% in gnomAD Exomes. This variant causes a frameshift starting with codon Valine 444, changes this amino acid to Leucine residue, and creates a premature Stop codon at position 31 of the new reading frame, denoted p.Val444LeufsTer31. This variant is predicted to cause loss of normal protein function through protein truncation. Loss of function variants have been previously reported to be disease causing. However, additional functional studies will be required to prove the pathogenciity of this variant. For these reasons, this variant has been classified as Likely Pathogenic.

Literature cited by the submitters: PubMed 20077502 (cited by Labcorp Genetics (formerly Invitae), Labcorp); PubMed 21344236 (cited by Labcorp Genetics (formerly Invitae), Labcorp).